The following is an entry in ClinVar:

ClinVar aggregate classification (germline): Conflicting classifications of pathogenicity. Review status: criteria provided, conflicting classifications (1 of 4 stars). 2 submissions from 2 submitters: Uncertain significance (1); Likely benign (1). Last evaluated 2025-10-07.

Conditions:
Cardiomyopathy (CMYO). Also called: Cardiomyopathies. Identifiers: Orphanet 167848, MedGen C0878544, MONDO:0004994, HP:0001638. Inheritance: Various modes of inheritance.
Catecholaminergic polymorphic ventricular tachycardia (CVPT). Also called: Catecholamine-induced polymorphic ventricular tachycardia. Identifiers: Orphanet 3286, MedGen C5574922, MONDO:0017990.

Submissions (2):

Color Diagnostics, LLC DBA Color Health
Classification: Likely benign for Cardiomyopathy. Last evaluated: 2025-10-07. Review status: criteria provided, single submitter. Criteria: ACMG Guidelines, 2015. Collection method: clinical testing. Allele origin: germline.

All of Us Research Program, National Institutes of Health
Classification: Uncertain significance for Catecholaminergic polymorphic ventricular tachycardia. Last evaluated: 2023-06-08. Review status: criteria provided, single submitter. Criteria: ACMG Guidelines, 2015. Collection method: clinical testing. Allele origin: germline. Inheritance: Autosomal dominant inheritance. Observed: 3 variant alleles, 3 heterozygotes.
Comment: This missense variant replaces arginine with proline at codon 3567 of the RYR2 protein. Computational prediction suggests that this variant may not impact protein structure and function (internally defined REVEL score threshold <= 0.5, PMID: 27666373). To our knowledge, functional studies have not been reported for this variant. This variant has not been reported in individuals affected with RYR2-related disorders in the literature. This variant has not been identified in the general population by the Genome Aggregation Database (gnomAD). The available evidence is insufficient to determine the role of this variant in disease conclusively. Therefore, this variant is classified as a Variant of Uncertain Significance.

This study involves interpretation of variants in research participants for the purpose of population health screening. Participant phenotype was not available at the time of variant classification. Additional details can be found in publication PMID: 35346344, PMCID: PMC8962531

NM_001035.3(RYR2):c.10700G>C (p.Arg3567Pro)

Gene: RYR2 (ryanodine receptor 2; plus strand). Cytogenetic location: 1q43.
Variant type: single nucleotide variant.
Coding change: c.10700G>C on transcript NM_001035.3 (MANE Select); coding-DNA position 10700, G replaced by C.
Protein change: p.Arg3567Pro; replaces arginine 3567 with proline.
Molecular consequence: missense variant.
Genome position (GRCh38, 1-based): chr1:237,726,283, G>C. VCF-style: chr1-237726283-G-C. GRCh37 (hg19) VCF-style: chr1-237889583-G-C.
Other names: short protein forms R3567P.
Identifiers: ClinVar variation 3071079 (VCV003071079.2), dbSNP rs577371071, ClinGen allele CA345416716.